The following is an entry in ClinVar:

ClinVar aggregate classification (germline): Uncertain significance. Review status: criteria provided, multiple submitters, no conflicts (2 of 4 stars). 2 submissions from 2 submitters: Uncertain significance (2). Last evaluated 2024-10-03.

Conditions:
Inborn genetic diseases. Identifiers: MedGen C0950123, MeSH D030342.

Allele frequency attached by ClinVar (database versions not stated): gnomAD exomes 0.00002; gnomAD 0.00003; ExAC 0.00004; TOPMed 0.00009; 1000 Genomes Project 30x 0.00016; 1000 Genomes Project 0.00020.

Submissions (2):

GeneDx
Classification: Uncertain significance. Last evaluated: 2024-10-03. Review status: criteria provided, single submitter. Criteria: GeneDx Variant Classification Process June 2021. Collection method: clinical testing. Allele origin: germline. Affected: yes.
Comment: Has not been previously published as pathogenic or benign to our knowledge; Not observed at significant frequency in large population cohorts (gnomAD); In silico analysis indicates that this missense variant does not alter protein structure/function

Ambry Genetics
Classification: Uncertain significance for Inborn genetic diseases. Last evaluated: 2024-01-22. Review status: criteria provided, single submitter. Criteria: Ambry Variant Classification Scheme 2023. Collection method: clinical testing. Allele origin: germline.

NM_001080453.3(INTS1):c.4064T>C (p.Met1355Thr)

Gene: INTS1 (integrator complex subunit 1; minus strand). Cytogenetic location: 7p22.3.
Variant type: single nucleotide variant.
Coding change: c.4064T>C on transcript NM_001080453.3 (MANE Select); coding-DNA position 4064, T replaced by C.
Protein change: p.Met1355Thr; replaces methionine 1355 with threonine.
Molecular consequence: missense variant.
Genome position (GRCh38, 1-based): chr7:1,480,327, A>G on the plus strand (T>C on the coding strand, the complement: INTS1 is on the minus strand). VCF-style: chr7-1480327-A-G. GRCh37 (hg19) VCF-style: chr7-1519963-A-G.
Other names: short protein forms M1355T.
Identifiers: ClinVar variation 1309256 (VCV001309256.4), dbSNP rs540889730, ClinGen allele CA4118997.